The following is an entry in ClinVar:

NM_001042492.3(NF1):c.7956A>C (p.Lys2652Asn)

Gene: NF1 (neurofibromin 1; plus strand). Cytogenetic location: 17q11.2.
Variant type: single nucleotide variant.
Coding change: c.7956A>C on transcript NM_001042492.3 (MANE Select); coding-DNA position 7956, A replaced by C.
Protein change: p.Lys2652Asn; replaces lysine 2652 with asparagine.
Molecular consequence: missense variant.
Genome position (GRCh38, 1-based): chr17:31,357,355, A>C. VCF-style: chr17-31357355-A-C. GRCh37 (hg19) VCF-style: chr17-29684373-A-C.
Other names: c.7893A>C, p.Lys2631Asn (NM_000267.4); short protein forms K2631N, K2652N.
Identifiers: ClinVar variation 4800809 (VCV004800809.1).

ClinVar aggregate classification (germline): Uncertain significance (1 of 4 stars; one submission).

Conditions:
Neurofibromatosis, type 1 (NF1). Also called: VON RECKLINGHAUSEN DISEASE; Neurofibromatosis, type I; NEUROFIBROMATOSIS, TYPE I, SOMATIC; Peripheral type neurofibromatosis. Identifiers: Orphanet 636, MedGen C0027831, MONDO:0018975, OMIM 162200. Disease mechanism: loss of function.

Submission:

Labcorp Genetics (formerly Invitae), Labcorp
Classification: Uncertain significance for Neurofibromatosis, type 1. Last evaluated: 2025-06-12. Review status: criteria provided, single submitter. Criteria: Invitae Variant Classification Sherloc (09022015). Collection method: clinical testing. Allele origin: germline.
Comment: This sequence change replaces lysine, which is basic and polar, with asparagine, which is neutral and polar, at codon 2631 of the NF1 protein (p.Lys2631Asn). This variant is not present in population databases (gnomAD no frequency). This variant has not been reported in the literature in individuals affected with NF1-related conditions. Invitae Evidence Modeling of protein sequence and biophysical properties (such as structural, functional, and spatial information, amino acid conservation, physicochemical variation, residue mobility, and thermodynamic stability) indicates that this missense variant is not expected to disrupt NF1 protein function with a negative predictive value of 95%. In summary, the available evidence is currently insufficient to determine the role of this variant in disease. Therefore, it has been classified as a Variant of Uncertain Significance.